The following is an entry in ClinVar:

NM_033225.6(CSMD1):c.5453A>T (p.Tyr1818Phe)

Gene: CSMD1 (CUB and Sushi multiple domains 1; minus strand). Cytogenetic location: 8p23.2.
Variant type: single nucleotide variant.
Coding change: c.5453A>T on transcript NM_033225.6 (MANE Select); coding-DNA position 5453, A replaced by T.
Protein change: p.Tyr1818Phe; replaces tyrosine 1818 with phenylalanine.
Molecular consequence: missense variant.
Genome position (GRCh38, 1-based): chr8:3,188,957, T>A on the plus strand (A>T on the coding strand, the complement: CSMD1 is on the minus strand). VCF-style: chr8-3188957-T-A. GRCh37 (hg19) VCF-style: chr8-3046479-T-A.
Other names: short protein forms Y1818F.
Identifiers: ClinVar variation 2239597 (VCV002239597.3), dbSNP rs373242257, ClinGen allele CA4606939.

ClinVar aggregate classification (germline): Uncertain significance. Review status: criteria provided, single submitter (1 of 4 stars). 2 submissions from 2 submitters: Uncertain significance (1). 1 of the submissions does not count toward it. Last evaluated 2021-07-27.

Conditions:
CSMD1-related disorder. Also called: CSMD1-related condition.

Allele frequency attached by ClinVar (database versions not stated): gnomAD exomes below 0.00001; ExAC 0.00002; gnomAD 0.00003; TOPMed 0.00006; ESP Exome Variant Server 0.00017.
gnomAD v4.1: 10 of 1,613,080 alleles (0.00062%); highest among the groups gnomAD compares: African/African-American, 0.0093%; no homozygotes.

Submissions (2):

Ambry Genetics
Classification: Uncertain significance. Last evaluated: 2021-07-27. Review status: criteria provided, single submitter. Criteria: Ambry Variant Classification Scheme 2023. Collection method: clinical testing. Allele origin: germline.

PreventionGenetics, part of Exact Sciences
Classification: Uncertain significance for CSMD1-related condition. Last evaluated: 2024-09-26. Review status: no assertion criteria provided. Collection method: clinical testing. Allele origin: germline. Not counted in ClinVar's aggregate classification.
Comment: The CSMD1 c.5453A>T variant is predicted to result in the amino acid substitution p.Tyr1818Phe. To our knowledge, this variant has not been reported in the literature. This variant is reported in 0.0083% of alleles in individuals of African descent in gnomAD. At this time, the clinical significance of this variant is uncertain due to the absence of conclusive functional and genetic evidence.